The following is an entry in ClinVar:

NM_001270974.2(HYDIN):c.6934G>A (p.Glu2312Lys)

Gene: HYDIN (HYDIN axonemal central pair apparatus protein; minus strand). Cytogenetic location: 16q22.2.
Variant type: single nucleotide variant.
Coding change: c.6934G>A on transcript NM_001270974.2 (MANE Select); coding-DNA position 6934, G replaced by A.
Protein change: p.Glu2312Lys; replaces glutamic acid 2312 with lysine.
Molecular consequence: missense variant.
Genome position (GRCh38, 1-based): chr16:70,938,675, C>T on the plus strand (G>A on the coding strand, the complement: HYDIN is on the minus strand). VCF-style: chr16-70938675-C-T. GRCh37 (hg19) VCF-style: chr16-70972578-C-T.
Other names: short protein forms E2312K.
Identifiers: ClinVar variation 1698038 (VCV001698038.3), dbSNP rs377154564, ClinGen allele CA8150087.

ClinVar aggregate classification (germline): Uncertain significance (1 of 4 stars; one submission).

Allele frequency attached by ClinVar (database versions not stated): gnomAD exomes 0.00002 and 0.00001; ESP Exome Variant Server 0.00017; TOPMed 0.00019; ExAC 0.00004; gnomAD 0.00012 and 0.00014; 1000 Genomes Project 30x 0.00016; 1000 Genomes Project 0.00020.
gnomAD v4.1: 35 of 1,612,354 alleles (0.0022%); highest among the groups gnomAD compares: African/African-American, 0.043%; no homozygotes.

Submission:

GeneDx
Classification: Uncertain significance. Last evaluated: 2024-09-20. Review status: criteria provided, single submitter. Criteria: GeneDx Variant Classification Process June 2021. Collection method: clinical testing. Allele origin: germline.
Comment: In silico analysis indicates that this missense variant does not alter protein structure/function; Has not been previously published as pathogenic or benign to our knowledge